The following is an entry in ClinVar:

NM_001458.5(FLNC):c.8013C>T (p.Gly2671=)

Genes: FLNC (filamin C; plus strand), FLNC-AS1 (FLNC antisense RNA 1; minus strand). Cytogenetic location: 7q32.1.
Variant type: single nucleotide variant.
Coding change: c.8013C>T on transcript NM_001458.5 (MANE Select); coding-DNA position 8013, C replaced by T.
Protein change: p.Gly2671=; no amino-acid change (glycine 2671 retained).
Molecular consequence: synonymous variant.
Genome position (GRCh38, 1-based): chr7:128,858,358, C>T. VCF-style: chr7-128858358-C-T. GRCh37 (hg19) VCF-style: chr7-128498412-C-T.
Other names: c.7914C>T, p.Gly2638= (NM_001127487.2).
Identifiers: ClinVar variation 389112 (VCV000389112.42), dbSNP rs369678123, ClinGen allele CA4476411.
Genomic context (GRCh38, chr7:128,858,358, plus strand): 5'-TCCCTGGTGTGAGCCTGTCCCTCTGCCTCCCTCTCCAGGCACCAACATGATGATGGTGGG[C>T]GTGCACGGCCCCAAGACCCCCTGTGAGGAGGTGTACGTGAAGCACATGGGGAACCGGGTG-3'
Protein context (NP_001449.3, residues 2661-2681): SKAGTNMMMV[Gly2671=]VHGPKTPCEE

ClinVar aggregate classification (germline): Likely benign. Review status: criteria provided, multiple submitters, no conflicts (2 of 4 stars). 4 submissions from 4 submitters: Likely benign (4). Last evaluated 2025-07-22.

Conditions:
Cardiovascular phenotype. Identifiers: MedGen CN230736.
Hypertrophic cardiomyopathy 26. Also called: Cardiomyopathy, familial hypertrophic, 26. Identifiers: Orphanet 75249, MedGen C4310749, MONDO:0014883, OMIM 617047.
Distal myopathy with posterior leg and anterior hand involvement. Also called: WILLIAMS DISTAL MYOPATHY. Identifiers: Orphanet 63273, MedGen C3279722, MONDO:0013550, OMIM 614065.
Myofibrillar myopathy 5. Also called: FILAMINOPATHY, AUTOSOMAL DOMINANT; Filaminopathy (type). Identifiers: Orphanet 171445, MedGen C1836050, MONDO:0012289, OMIM 609524.

Allele frequency attached by ClinVar (database versions not stated): gnomAD exomes 0.00004 and 0.00001; ESP Exome Variant Server 0.00017; gnomAD 0.00001; TOPMed 0.00002; ExAC 0.00004.
gnomAD v4.1: 55 of 1,559,640 alleles (0.0035%); highest among the groups gnomAD compares: Non-Finnish European, 0.0047%; no homozygotes.

Submissions (4):

Labcorp Genetics (formerly Invitae), Labcorp
Classification: Likely benign for Distal myopathy with posterior leg and anterior hand involvement; Myofibrillar myopathy 5; Hypertrophic cardiomyopathy 26. Last evaluated: 2025-07-22. Review status: criteria provided, single submitter. Criteria: Invitae Variant Classification Sherloc (09022015). Collection method: clinical testing. Allele origin: germline.

CeGaT Center for Human Genetics Tuebingen
Classification: Likely benign. Last evaluated: 2022-05-01. Review status: criteria provided, single submitter. Criteria: CeGaT Center For Human Genetics Tuebingen Variant Classification Criteria Version 2. Collection method: clinical testing. Allele origin: germline. Affected: yes. Observed: 1 variant allele.
Comment: FLNC: BP4, BP7

GeneDx
Classification: Likely benign. Last evaluated: 2020-10-22. Review status: criteria provided, single submitter. Criteria: GeneDx Variant Classification Process June 2021. Collection method: clinical testing. Allele origin: germline. Affected: yes.

Ambry Genetics
Classification: Likely benign for Cardiovascular phenotype. Last evaluated: 2020-10-11. Review status: criteria provided, single submitter. Criteria: Ambry Variant Classification Scheme 2023. Collection method: clinical testing. Allele origin: germline.